The following is an entry in ClinVar:

ClinVar aggregate classification (germline): Pathogenic (1 of 4 stars; one submission).

Conditions:
Hereditary cancer-predisposing syndrome. Also called: Neoplastic Syndromes, Hereditary; Tumor predisposition; Hereditary Cancer Syndrome; Hereditary neoplastic syndrome. Identifiers: Orphanet 140162, MedGen C0027672, MeSH D009386, MONDO:0015356.
Cardiovascular phenotype. Identifiers: MedGen CN230736.

Submission:

Ambry Genetics
Classification: Pathogenic for Cardiovascular phenotype; Hereditary cancer-predisposing syndrome. Last evaluated: 2022-09-15. Review status: criteria provided, single submitter. Criteria: Ambry Variant Classification Scheme 2023. Collection method: clinical testing. Allele origin: germline.
Comment: The p.Y726* pathogenic mutation (also known as c.2178C>G), located in coding exon 18 of the LZTR1 gene, results from a C to G substitution at nucleotide position 2178. This changes the amino acid from a tyrosine to a stop codon within coding exon 18. This alteration has been reported in an individual with autosomal recessive Noonan syndrome in trans with another mutation (Johnston JJ et al. Genet Med. 2018 Oct;20(10):1175-1185). In addition, functional assays demonstrate that this alteration results in decreased RAS ubiquitination (Steklov M et al. Science. 2018 Dec 7;362(6419):1177-1182). This alteration is expected to result in loss of function by premature protein truncation or nonsense-mediated mRNA decay. Loss-of-function variants in LZTR1 are related to an increased risk for schwannomas and autosomal recessive Noonan syndrome; however, such associations with autosomal dominant Noonan syndrome have not been observed (Piotrowski A et al. Nat Genet. 2014 Feb;46:182-7; Yamamoto GL et al. J Med Genet. 2015 Jun;52:413-21; Johnston JJ et al. Genet Med. 2018 10;20:1175-1185). Based on the supporting evidence, this variant is pathogenic for an increased risk of LZTR1-related schwannomatosis (SWN) and would be expected to cause autosomal recessive Noonan syndrome when present along with a second pathogenic or likely pathogenic variant on the other allele; however, the association of this alteration with autosomal dominant Noonan syndrome is unlikely.

NM_006767.4(LZTR1):c.2178C>G (p.Tyr726Ter)

Gene: LZTR1 (leucine zipper like post translational regulator 1; plus strand). Cytogenetic location: 22q11.21.
Variant type: single nucleotide variant.
Coding change: c.2178C>G on transcript NM_006767.4 (MANE Select); coding-DNA position 2178, C replaced by G.
Protein change: p.Tyr726Ter; replaces tyrosine 726 with a stop codon.
Molecular consequence: nonsense.
Genome position (GRCh38, 1-based): chr22:20,996,071, C>G. VCF-style: chr22-20996071-C-G. GRCh37 (hg19) VCF-style: chr22-21350360-C-G.
Other names: short protein forms Y726*.
Identifiers: ClinVar variation 1787208 (VCV001787208.2), dbSNP rs1034395178, ClinGen allele CA410779956.